The following is an entry in ClinVar:

NM_003227.4(TFR2):c.286+1G>A

Gene: TFR2 (transferrin receptor 2; minus strand). Cytogenetic location: 7q22.1.
Variant type: single nucleotide variant.
Coding change: c.286+1G>A on transcript NM_003227.4 (MANE Select); the canonical splice donor site of the intron after coding-DNA position 286, G replaced by A.
Molecular consequence: splice donor variant.
Genome position (GRCh38, 1-based): chr7:100,640,975, C>T on the plus strand (G>A on the coding strand, the complement: TFR2 is on the minus strand). VCF-style: chr7-100640975-C-T. GRCh37 (hg19) VCF-style: chr7-100238598-C-T.
Identifiers: ClinVar variation 4815107 (VCV004815107.1).

ClinVar aggregate classification (germline): Likely pathogenic (1 of 4 stars; one submission).

Conditions:
Hemochromatosis type 3 (HFE3). Also called: HEMOCHROMATOSIS DUE TO DEFECT IN TRANSFERRIN RECEPTOR 2; Hereditary hemochromatosis type 3; TFR2-Related Hemochromatosis. Identifiers: Orphanet 225123, MedGen C1858664, MONDO:0011417, OMIM 604250.

Submission:

Natera, Inc.
Classification: Likely pathogenic for Hereditary hemochromatosis type 3. Last evaluated: 2024-05-08. Review status: criteria provided, single submitter. Criteria: Natera Variant Classification Schema (03/2026). Collection method: clinical testing. Allele origin: germline.
Comment: The c.286+1G>A variant in TFR2 is a canonical splice donor site variant predicted to affect pre-mRNA splicing, which may result in an abnormal transcript and altered protein product. This variant is expected to result in nonsense mediated decay, truncation, or a dysfunctional protein product. This variant is rare in the general population with a frequency below the threshold expected for the associated phenotype(s). Given the available evidence, this variant is classified as Likely Pathogenic.